The following is an entry in ClinVar:

NM_000138.5(FBN1):c.4337-106A>G

Gene: FBN1 (fibrillin 1; minus strand). Cytogenetic location: 15q21.1.
Variant type: single nucleotide variant.
Coding change: c.4337-106A>G on transcript NM_000138.5 (MANE Select); 106 bases into the intron before coding-DNA position 4337, A replaced by G.
Molecular consequence: intron variant.
Genome position (GRCh38, 1-based): chr15:48,470,862, T>C on the plus strand (A>G on the coding strand, the complement: FBN1 is on the minus strand). VCF-style: chr15-48470862-T-C. GRCh37 (hg19) VCF-style: chr15-48763059-T-C.
Identifiers: ClinVar variation 677915 (VCV000677915.1), dbSNP rs138315266, ClinGen allele CA269519669.
Genomic context (GRCh38, chr15:48,470,862, plus strand): 5'-CTAAAAAAAACCTGCCAAATATAATTAGGCAACTAATGTAAATACTAAGAAAATGCAGAG[T>C]ATCTAACACCAATCTGGGCACTTCTCCTATAGACTTTTAGATGATTTGCCATGCACAGTG-3'

ClinVar aggregate classification (germline): Likely benign (1 of 4 stars; one submission).

Allele frequency attached by ClinVar (database versions not stated): gnomAD exomes 0.00031; gnomAD 0.00332 and 0.00347; TOPMed 0.00363; 1000 Genomes Project 0.00379; 1000 Genomes Project 30x 0.00390.
gnomAD v4.1: 853 of 1,260,484 alleles (0.068%); highest among the groups gnomAD compares: African/African-American, 1.2%; 7 homozygotes.

Submission:

GeneDx
Classification: Likely benign. Last evaluated: 2018-06-16. Review status: criteria provided, single submitter. Criteria: GeneDx Variant Classification (06012015). Collection method: clinical testing. Allele origin: germline. Affected: yes.
Comment: This variant is considered likely benign or benign based on one or more of the following criteria: it is a conservative change, it occurs at a poorly conserved position in the protein, it is predicted to be benign by multiple in silico algorithms, and/or has population frequency not consistent with disease.